The following is an entry in ClinVar:

ClinVar aggregate classification (germline): Uncertain significance (1 of 4 stars; one submission).

Conditions:
Hereditary cancer-predisposing syndrome. Also called: Neoplastic Syndromes, Hereditary; Tumor predisposition; Hereditary Cancer Syndrome; Hereditary neoplastic syndrome. Identifiers: Orphanet 140162, MedGen C0027672, MeSH D009386, MONDO:0015356.

Submission:

Ambry Genetics
Classification: Uncertain significance for Hereditary cancer-predisposing syndrome. Last evaluated: 2025-12-12. Review status: criteria provided, single submitter. Criteria: Ambry Variant Classification Scheme 2023. Collection method: clinical testing. Allele origin: germline.
Comment: The p.D313H variant (also known as c.937G>C), located in coding exon 7 of the POT1 gene, results from a G to C substitution at nucleotide position 937. The aspartic acid at codon 313 is replaced by histidine, an amino acid with similar properties. This amino acid position is conserved. In addition, this alteration is predicted to be tolerated by in silico analysis. Based on the available evidence, the clinical significance of this variant remains unclear.

NM_015450.3(POT1):c.937G>C (p.Asp313His)

Gene: POT1 (protection of telomeres 1; minus strand). Cytogenetic location: 7q31.33.
Variant type: single nucleotide variant.
Coding change: c.937G>C on transcript NM_015450.3 (MANE Select); coding-DNA position 937, G replaced by C.
Protein change: p.Asp313His; replaces aspartic acid 313 with histidine.
Molecular consequence: missense variant. On other transcripts: non-coding transcript variant (3).
Genome position (GRCh38, 1-based): chr7:124,851,884, C>G on the plus strand (G>C on the coding strand, the complement: POT1 is on the minus strand). VCF-style: chr7-124851884-C-G. GRCh37 (hg19) VCF-style: chr7-124491938-C-G.
Other names: c.544G>C, p.Asp182His (NM_001042594.2); short protein forms D182H, D313H.
Identifiers: ClinVar variation 4673921 (VCV004673921.1).